The following is an entry in ClinVar:

NM_001430.5(EPAS1):c.1738C>G (p.His580Asp)

Gene: EPAS1 (endothelial PAS domain protein 1; plus strand). Cytogenetic location: 2p21.
Variant type: single nucleotide variant.
Coding change: c.1738C>G on transcript NM_001430.5 (MANE Select); coding-DNA position 1738, C replaced by G.
Protein change: p.His580Asp; replaces histidine 580 with aspartic acid.
Molecular consequence: missense variant.
Genome position (GRCh38, 1-based): chr2:46,380,410, C>G. VCF-style: chr2-46380410-C-G. GRCh37 (hg19) VCF-style: chr2-46607549-C-G.
Other names: short protein forms H580D.
Identifiers: ClinVar variation 1779124 (VCV001779124.2), dbSNP rs2103672700, ClinGen allele CA346704775.

ClinVar aggregate classification (germline): Uncertain significance (1 of 4 stars; one submission).

Conditions:
Inborn genetic diseases. Identifiers: MedGen C0950123, MeSH D030342.

Allele frequency attached by ClinVar (database versions not stated): gnomAD exomes below 0.00001.
gnomAD v4.1: 1 of 1,614,204 alleles (0.000062%); highest among the groups gnomAD compares: Non-Finnish European, 0.000085%; no homozygotes.

Submission:

Ambry Genetics
Classification: Uncertain significance for Inborn genetic diseases. Last evaluated: 2022-08-30. Review status: criteria provided, single submitter. Criteria: Ambry Variant Classification Scheme 2023. Collection method: clinical testing. Allele origin: germline.
Comment: The p.H580D variant (also known as c.1738C>G), located in coding exon 12 of the EPAS1 gene, results from a C to G substitution at nucleotide position 1738. The histidine at codon 580 is replaced by aspartic acid, an amino acid with similar properties. This amino acid position is conserved. In addition, this alteration is predicted to be tolerated by in silico analysis. Since supporting evidence is limited at this time, the clinical significance of this alteration remains unclear.